The following is an entry in ClinVar:

NM_017433.5(MYO3A):c.2405A>G (p.Gln802Arg)

Gene: MYO3A (myosin IIIA; plus strand). Cytogenetic location: 10p12.1.
Variant type: single nucleotide variant.
Coding change: c.2405A>G on transcript NM_017433.5 (MANE Select); coding-DNA position 2405, A replaced by G.
Protein change: p.Gln802Arg; replaces glutamine 802 with arginine.
Molecular consequence: missense variant.
Genome position (GRCh38, 1-based): chr10:26,143,590, A>G. VCF-style: chr10-26143590-A-G. GRCh37 (hg19) VCF-style: chr10-26432519-A-G.
Other names: short protein forms Q802R.
Identifiers: ClinVar variation 164621 (VCV000164621.5), dbSNP rs727503324, ClinGen allele CA177338.

ClinVar aggregate classification (germline): Uncertain significance. Review status: criteria provided, multiple submitters, no conflicts (2 of 4 stars). 2 submissions from 2 submitters: Uncertain significance (2). Last evaluated 2025-10-13.

Allele frequency attached by ClinVar (database versions not stated): gnomAD exomes below 0.00001.
gnomAD v4.1: 2 of 1,614,008 alleles (0.00012%); highest among the groups gnomAD compares: Non-Finnish European, 0.00017%; no homozygotes.

Submissions (2):

Labcorp Genetics (formerly Invitae), Labcorp
Classification: Uncertain significance. Last evaluated: 2025-10-13. Review status: criteria provided, single submitter. Criteria: Invitae Variant Classification Sherloc (09022015). Collection method: clinical testing. Allele origin: germline.
Comment: This sequence change replaces glutamine, which is neutral and polar, with arginine, which is basic and polar, at codon 802 of the MYO3A protein (p.Gln802Arg). This variant is not present in population databases (gnomAD no frequency). This variant has not been reported in the literature in individuals affected with MYO3A-related conditions. ClinVar contains an entry for this variant (Variation ID: 164621). Invitae Evidence Modeling of protein sequence and biophysical properties (such as structural, functional, and spatial information, amino acid conservation, physicochemical variation, residue mobility, and thermodynamic stability) indicates that this missense variant is not expected to disrupt MYO3A protein function with a negative predictive value of 80%. In summary, the available evidence is currently insufficient to determine the role of this variant in disease. Therefore, it has been classified as a Variant of Uncertain Significance.

Laboratory for Molecular Medicine, Mass General Brigham Personalized Medicine
Classification: Uncertain significance. Last evaluated: 2013-12-23. Review status: criteria provided, single submitter. Criteria: LMM Criteria. Collection method: clinical testing. Allele origin: germline. Observed: 1 variant allele.
Comment: The Gln802Arg variant in MYO3A has not been previously reported in individuals w ith hearing loss or in large population studies. Computational analyses (bioche mical amino acid properties, conservation, AlignGVGD, PolyPhen2, and SIFT) do no t provide strong support for or against an impact to the protein. In summary, ad ditional data is needed to determine the clinical significance of this variant.